The following is an entry in ClinVar:

NM_000051.4(ATM):c.1623T>C (p.Cys541=)

Gene: ATM (ATM serine/threonine kinase; plus strand). Cytogenetic location: 11q22.3.
Variant type: single nucleotide variant.
Coding change: c.1623T>C on transcript NM_000051.4 (MANE Select); coding-DNA position 1623, T replaced by C.
Protein change: p.Cys541=; no amino-acid change (cysteine 541 retained).
Molecular consequence: synonymous variant.
Genome position (GRCh38, 1-based): chr11:108,251,852, T>C. VCF-style: chr11-108251852-T-C. GRCh37 (hg19) VCF-style: chr11-108122579-T-C.
Other names: c.1623T>C, p.Cys541= (NM_001351834.2).
Identifiers: ClinVar variation 3253802 (VCV003253802.1), dbSNP rs2135339095.

ClinVar aggregate classification (germline): Benign (1 of 4 stars; one submission).

Conditions:
Familial cancer of breast. Also called: BREAST CANCER, FAMILIAL; Hereditary breast cancer; hereditary breast carcinoma. Identifiers: Orphanet 227535, MedGen C0346153, MONDO:0016419, OMIM 114480. Disease mechanism: loss of function.

Allele frequency attached by ClinVar (database versions not stated): gnomAD exomes below 0.00001.
gnomAD v4.1: 1 of 1,613,814 alleles (0.000062%); highest among the groups gnomAD compares: Non-Finnish European, 0.000085%; no homozygotes.

Submission:

Myriad Genetics, Inc.
Classification: Benign for Familial cancer of breast. Last evaluated: 2024-04-30. Review status: criteria provided, single submitter. Criteria: Myriad Autosomal Dominant, Autosomal Recessive and X-Linked Classification Criteria (2023). Collection method: clinical testing. Allele origin: unknown.
Comment: This variant is considered benign. This variant is a silent/synonymous amino acid change and it is not expected to impact splicing.